The following is an entry in ClinVar:

ClinVar aggregate classification (germline): Uncertain significance (1 of 4 stars; one submission).

Conditions:
Inborn genetic diseases. Identifiers: MedGen C0950123, MeSH D030342.

Submission:

Ambry Genetics
Classification: Uncertain significance for Inborn genetic diseases. Last evaluated: 2022-05-01. Review status: criteria provided, single submitter. Criteria: Ambry Variant Classification Scheme 2023. Collection method: clinical testing. Allele origin: germline.
Comment: The p.Q755R variant (also known as c.2264A>G), located in coding exon 23 of the ERCC2 gene, results from an A to G substitution at nucleotide position 2264. The glutamine at codon 755 is replaced by arginine, an amino acid with highly similar properties. This amino acid position is conserved. In addition, the in silico prediction for this alteration is inconclusive. Since supporting evidence is limited at this time, the clinical significance of this alteration remains unclear.

NM_000400.4(ERCC2):c.2264A>G (p.Gln755Arg)

Gene: ERCC2 (ERCC excision repair 2, TFIIH core complex helicase subunit; minus strand). Cytogenetic location: 19q13.32.
Variant type: single nucleotide variant.
Coding change: c.2264A>G on transcript NM_000400.4 (MANE Select); coding-DNA position 2264, A replaced by G.
Protein change: p.Gln755Arg; replaces glutamine 755 with arginine.
Molecular consequence: missense variant.
Genome position (GRCh38, 1-based): chr19:45,351,648, T>C on the plus strand (A>G on the coding strand, the complement: ERCC2 is on the minus strand). VCF-style: chr19-45351648-T-C. GRCh37 (hg19) VCF-style: chr19-45854906-T-C.
Other names: short protein forms Q755R.
Identifiers: ClinVar variation 1788678 (VCV001788678.2), dbSNP rs2513994489, ClinGen allele CA406360257.
Genomic context (GRCh38, chr19:45,351,648, plus strand): 5'-CAGGAGTCACCAGGAACCGTTTATGGCCCCACCCGCCCCACTCAGAGCTGCTGAGCAATC[T>C]GCTCTATCCTCTTCAGCGTCTCCTCTGATTCTAGCTGCTCCAGGCTGAGCAGGGACAGGC-3'
Protein context (NP_000391.1, residues 745-760): ESEETLKRIE[Gln755Arg]IAQQL